The following is an entry in ClinVar:

ClinVar aggregate classification (germline): Conflicting classifications of pathogenicity. Review status: criteria provided, conflicting classifications (1 of 4 stars). 11 submissions from 10 submitters: Uncertain significance (5); Likely benign (6). Last evaluated 2026-01-28.

Conditions:
Cardiovascular phenotype. Identifiers: MedGen CN230736.
Dilated cardiomyopathy 1HH (CMD1HH). Identifiers: Orphanet 154, MedGen C3151293, MONDO:0013479, OMIM 613881.
Myofibrillar myopathy 6. Identifiers: Orphanet 199340, MedGen C2751831, MONDO:0013061, OMIM 612954.

Allele frequency attached by ClinVar (database versions not stated): gnomAD exomes 0.00006; ExAC 0.00008; gnomAD 0.00009; TOPMed 0.00011.
gnomAD v4.1: 104 of 1,613,870 alleles (0.0064%); highest among the groups gnomAD compares: Non-Finnish European, 0.008%; no homozygotes.

Submissions (11):

Labcorp Genetics (formerly Invitae), Labcorp
Classification: Uncertain significance for Dilated cardiomyopathy 1HH; Myofibrillar myopathy 6. Last evaluated: 2026-01-28. Review status: criteria provided, single submitter. Criteria: Invitae Variant Classification Sherloc (09022015). Collection method: clinical testing. Allele origin: germline.
Comment: This sequence change replaces serine, which is neutral and polar, with leucine, which is neutral and non-polar, at codon 185 of the BAG3 protein (p.Ser185Leu). This variant is present in population databases (rs730880054, gnomAD 0.01%), and has an allele count higher than expected for a pathogenic variant. This missense change has been observed in individual(s) with dilated cardiomyopathy (PMID: 36642055). ClinVar contains an entry for this variant (Variation ID: 180282). Invitae Evidence Modeling of protein sequence and biophysical properties (such as structural, functional, and spatial information, amino acid conservation, physicochemical variation, residue mobility, and thermodynamic stability) indicates that this missense variant is not expected to disrupt BAG3 protein function with a negative predictive value of 80%. In summary, the available evidence is currently insufficient to determine the role of this variant in disease. Therefore, it has been classified as a Variant of Uncertain Significance.

Mayo Clinic Laboratories, Mayo Clinic
Classification: Likely benign. Last evaluated: 2025-04-14. Review status: criteria provided, single submitter. Criteria: ACMG Guidelines, 2015. Collection method: clinical testing. Allele origin: germline. Observed: 2 variant alleles.
Comment: BP4, BP5

Blueprint Genetics
Classification: Likely benign. Last evaluated: 2024-08-30. Review status: criteria provided, single submitter. Criteria: ACMG Guidelines, 2015. Collection method: clinical testing. Allele origin: germline.

Ambry Genetics
Classification: Uncertain significance for Cardiovascular phenotype. Last evaluated: 2024-05-22. Review status: criteria provided, single submitter. Criteria: Ambry Variant Classification Scheme 2023. Collection method: clinical testing. Allele origin: germline.
Comment: The p.S185L variant (also known as c.554C>T), located in coding exon 3 of the BAG3 gene, results from a C to T substitution at nucleotide position 554. The serine at codon 185 is replaced by leucine, an amino acid with dissimilar properties. This alteration has been reported in a limb girdle muscular dystrophy (LGMD) cohort; however, additional alterations in the ANO5 gene were also identified in the case (Jarmula A et al. Sci Rep, 2019 08;9:11533). Additionally, this alteration has been detected in a peripartum cardiomyopathy cohort (Goli R et al. Circulation, 2021 May;143:1852-1862). This amino acid position is well conserved in available vertebrate species. In addition, this alteration is predicted to be tolerated by in silico analysis. Based on the available evidence, the clinical significance of this variant remains unclear.

CeGaT Center for Human Genetics Tuebingen
Classification: Likely benign. Last evaluated: 2024-01-01. Review status: criteria provided, single submitter. Criteria: CeGaT Center For Human Genetics Tuebingen Variant Classification Criteria Version 2. Collection method: clinical testing. Allele origin: germline. Affected: yes. Observed: 4 variant alleles.
Comment: BAG3: BS2

Women's Health and Genetics/Laboratory Corporation of America, LabCorp
Classification: Likely benign. Last evaluated: 2023-06-19. Review status: criteria provided, single submitter. Criteria: LabCorp Variant Classification Summary - May 2015. Collection method: clinical testing. Allele origin: germline.
Comment: Variant summary: BAG3 c.554C>T (p.Ser185Leu) results in a non-conservative amino acid change in the encoded protein sequence. Three of five in-silico tools predict a benign effect of the variant on protein function. The variant allele was found at a frequency of 6e-05 in 249352 control chromosomes. The observed variant frequency is approximately 1.54 fold of the estimated maximal expected allele frequency for a pathogenic variant in BAG3 causing Dilated Cardiomyopathy phenotype (3.9e-05), strongly suggesting that the variant is benign. c.554C>T has been reported in the literature in at least one individual affected with limb girdle muscular dystrophy and heart failure in presence of other pathogenic variants (Jarmula_BAG3_SciRep_2019) and in peripartum cardiomyopathy as a VUS (Goli_2021). These report(s) do not provide unequivocal conclusions about association of the variant with Dilated Cardiomyopathy. To our knowledge, no experimental evidence demonstrating an impact on protein function has been reported. The following publications have been ascertained in the context of this evaluation (PMID: 33874732, 31395899). Six clinical diagnostic laboratories have submitted clinical-significance assessments for this variant to ClinVar after 2014, classifying the variant as uncertain significance (n=4) or likely benign (n=2). Based on the evidence outlined above, the variant was classified as likely benign.

Revvity Omics, Revvity
Classification: Uncertain significance. Last evaluated: 2022-05-12. Review status: criteria provided, single submitter. Criteria: ACMG Guidelines, 2015. Collection method: clinical testing. Allele origin: germline.

GeneDx
Classification: Likely benign. Last evaluated: 2020-12-30. Review status: criteria provided, single submitter. Criteria: GeneDx Variant Classification Process June 2021. Collection method: clinical testing. Allele origin: germline. Affected: yes.

Illumina Laboratory Services, Illumina
Classification: Uncertain significance for Dilated cardiomyopathy 1HH. Last evaluated: 2018-01-13. Review status: criteria provided, single submitter. Criteria: ICSL Variant Classification Criteria 13 December 2019. Collection method: clinical testing. Allele origin: germline.

Illumina Laboratory Services, Illumina
Classification: Likely benign for Myofibrillar myopathy 6. Last evaluated: 2018-01-13. Review status: criteria provided, single submitter. Criteria: ICSL Variant Classification Criteria 13 December 2019. Collection method: clinical testing. Allele origin: germline.
Comment: This variant was observed in the ICSL laboratory as part of a predisposition screen in an ostensibly healthy population. It had not been previously curated by ICSL or reported in the Human Gene Mutation Database (HGMD: prior to June 1st, 2018), and was therefore a candidate for classification through an automated scoring system. Utilizing variant allele frequency, disease prevalence and penetrance estimates, and inheritance mode, an automated score was calculated to assess if this variant is too frequent to cause the disease. Based on the score and internal cut-off values, a variant classified as likely benign is not then subjected to further curation. The score for this variant resulted in a classification of likely benign for this disease.

Stanford Center for Inherited Cardiovascular Disease, Stanford University
Classification: Uncertain significance. Last evaluated: 2016-10-13. Review status: criteria provided, single submitter. Criteria: ACMG Guidelines, 2015. Collection method: provider interpretation. Allele origin: germline.

Literature cited by the submitters: PubMed 36642055 (cited by Labcorp Genetics (formerly Invitae), Labcorp and Mayo Clinic Laboratories, Mayo Clinic); PubMed 29970176 (cited by Mayo Clinic Laboratories, Mayo Clinic and Ambry Genetics); PubMed 31395899 (cited by 3 submitters); PubMed 33874732 (cited by 3 submitters).

NM_004281.4(BAG3):c.554C>T (p.Ser185Leu)

Gene: BAG3 (BAG cochaperone 3; plus strand). Cytogenetic location: 10q26.11.
Variant type: single nucleotide variant.
Coding change: c.554C>T on transcript NM_004281.4 (MANE Select); coding-DNA position 554, C replaced by T.
Protein change: p.Ser185Leu; replaces serine 185 with leucine.
Molecular consequence: missense variant.
Genome position (GRCh38, 1-based): chr10:119,672,301, C>T. VCF-style: chr10-119672301-C-T. GRCh37 (hg19) VCF-style: chr10-121431813-C-T.
Other names: p.Ser185Leu; short protein forms S185L.
Identifiers: ClinVar variation 180282 (VCV000180282.64), dbSNP rs730880054, ClinGen allele CA346197.
Genomic context (GRCh38, chr10:119,672,301, plus strand): 5'-TGTGTCTCTTGCAGCGGTCCCAGTCTCCAGCTGCCTCTGACTGCTCATCCTCATCCTCCT[C>T]GGCCAGCCTGCCTTCCTCCGGCAGGAGCAGCCTGGGCAGTCACCAGCTCCCGCGGGGGTA-3'
Protein context (NP_004272.2, residues 175-195): AASDCSSSSS[Ser185Leu]ASLPSSGRSS